The following is an entry in ClinVar:

NM_015202.5(KATNIP):c.297G>A (p.Thr99=)

Gene: KATNIP (katanin interacting protein; plus strand). Cytogenetic location: 16p12.1.
Variant type: single nucleotide variant.
Coding change: c.297G>A on transcript NM_015202.5 (MANE Select); coding-DNA position 297, G replaced by A.
Protein change: p.Thr99=; no amino-acid change (threonine 99 retained).
Molecular consequence: synonymous variant.
Genome position (GRCh38, 1-based): chr16:27,628,817, G>A. VCF-style: chr16-27628817-G-A. GRCh37 (hg19) VCF-style: chr16-27640138-G-A.
Identifiers: ClinVar variation 2646341 (VCV002646341.24), dbSNP rs142387593, ClinGen allele CA7977270.

ClinVar aggregate classification (germline): Likely benign (1 of 4 stars; one submission).

gnomAD v4.1: 22 of 1,613,980 alleles (0.0014%); highest among the groups gnomAD compares: Middle Eastern, 0.033%; no homozygotes.

Submission:

CeGaT Center for Human Genetics Tuebingen
Classification: Likely benign. Last evaluated: 2023-05-01. Review status: criteria provided, single submitter. Criteria: CeGaT Center For Human Genetics Tuebingen Variant Classification Criteria Version 2. Collection method: clinical testing. Allele origin: germline. Affected: yes. Observed: 2 variant alleles.
Comment: KATNIP: BP4, BP7